The following is an entry in ClinVar:

NM_000478.6(ALPL):c.*14G>A

Gene: ALPL (alkaline phosphatase, biomineralization associated; plus strand). Cytogenetic location: 1p36.12.
Variant type: single nucleotide variant.
Coding change: c.*14G>A on transcript NM_000478.6 (MANE Select); 14 bases downstream of the stop codon, G replaced by A.
Molecular consequence: 3 prime UTR variant.
Genome position (GRCh38, 1-based): chr1:21,577,662, G>A. VCF-style: chr1-21577662-G-A. GRCh37 (hg19) VCF-style: chr1-21904155-G-A.
Other names: c.*14G>A (NM_001127501.4, NM_001177520.3, NM_001369803.2 and 2 more transcripts).
Identifiers: ClinVar variation 873880 (VCV000873880.4), dbSNP rs571140206, ClinGen allele CA666897.

ClinVar aggregate classification (germline): Likely benign (1 of 4 stars; one submission).

Conditions:
Hypophosphatasia. Also called: Phosphoethanol-aminuria. Identifiers: Orphanet 436, MedGen C0020630, MeSH D007014, MONDO:0018570.

Allele frequency attached by ClinVar (database versions not stated): gnomAD 0.00001 and 0.00006; TOPMed 0.00002; gnomAD exomes 0.00006 and 0.00013; 1000 Genomes Project 0.00020; ExAC 0.00023; 1000 Genomes Project 30x 0.00031.
gnomAD v4.1: 91 of 1,593,172 alleles (0.0057%); highest among the groups gnomAD compares: South Asian, 0.071%; 1 homozygote.

Submission:

Illumina Laboratory Services, Illumina
Classification: Likely benign for Hypophosphatasia. Last evaluated: 2018-01-12. Review status: criteria provided, single submitter. Criteria: ICSL Variant Classification Criteria 13 December 2019. Collection method: clinical testing. Allele origin: germline.
Comment: This variant was observed in the ICSL laboratory as part of a predisposition screen in an ostensibly healthy population. It had not been previously curated by ICSL or reported in the Human Gene Mutation Database (HGMD: prior to June 1st, 2018), and was therefore a candidate for classification through an automated scoring system. Utilizing variant allele frequency, disease prevalence and penetrance estimates, and inheritance mode, an automated score was calculated to assess if this variant is too frequent to cause the disease. Based on the score and internal cut-off values, a variant classified as likely benign is not then subjected to further curation. The score for this variant resulted in a classification of likely benign for this disease.